The following is an entry in ClinVar:

NM_006269.2(RP1):c.6100A>G (p.Met2034Val)

Gene: RP1 (RP1 axonemal microtubule associated; plus strand). Cytogenetic location: 8q12.1.
Variant type: single nucleotide variant.
Coding change: c.6100A>G on transcript NM_006269.2 (MANE Select); coding-DNA position 6100, A replaced by G.
Protein change: p.Met2034Val; replaces methionine 2034 with valine.
Molecular consequence: missense variant. On other transcripts: intron variant (1).
Genome position (GRCh38, 1-based): chr8:54,629,982, A>G. VCF-style: chr8-54629982-A-G. GRCh37 (hg19) VCF-style: chr8-55542542-A-G.
Other names: c.787+7694A>G (NM_001375654.1); c.6100A>G (NM_006269.1); short protein forms M2034V.
Identifiers: ClinVar variation 1006397 (VCV001006397.9), dbSNP rs147632759, ClinGen allele CA4752180.

ClinVar aggregate classification (germline): Conflicting classifications of pathogenicity. Review status: criteria provided, conflicting classifications (1 of 4 stars). 3 submissions from 3 submitters: Uncertain significance (2); Likely benign (1). Last evaluated 2026-08-17.

Conditions:
Inborn genetic diseases. Identifiers: MedGen C0950123, MeSH D030342.
RP1-related disorder. Also called: RP1-related condition.

Allele frequency attached by ClinVar (database versions not stated): gnomAD exomes 0.00002 and 0.00005; gnomAD 0.00004 and 0.00005; ExAC 0.00006; ESP Exome Variant Server 0.00008; TOPMed 0.00012; 1000 Genomes Project 0.00040; 1000 Genomes Project 30x 0.00062.
gnomAD v4.1: 45 of 1,614,066 alleles (0.0028%); highest among the groups gnomAD compares: Admixed American, 0.037%; no homozygotes.

Submissions (3):

PreventionGenetics, part of Exact Sciences
Classification: Uncertain significance for RP1-related condition. Last evaluated: 2026-08-17. Review status: criteria provided, single submitter. Criteria: ACMG Guidelines, 2015. Collection method: clinical testing. Allele origin: germline.
Comment: The RP1 c.6100A>G variant is predicted to result in the amino acid substitution p.Met2034Val. To our knowledge, this variant has not been reported in the literature. This variant is reported in 0.029% of alleles in individuals of Latino descent in gnomAD. At this time, the clinical significance of this variant is uncertain due to the absence of conclusive functional and genetic evidence.

Labcorp Genetics (formerly Invitae), Labcorp
Classification: Uncertain significance. Last evaluated: 2026-01-18. Review status: criteria provided, single submitter. Criteria: Invitae Variant Classification Sherloc (09022015). Collection method: clinical testing. Allele origin: germline.
Comment: This sequence change replaces methionine, which is neutral and non-polar, with valine, which is neutral and non-polar, at codon 2034 of the RP1 protein (p.Met2034Val). This variant is present in population databases (rs147632759, gnomAD 0.03%). This variant has not been reported in the literature in individuals affected with RP1-related conditions. ClinVar contains an entry for this variant (Variation ID: 1006397). An algorithm developed to predict the effect of missense changes on protein structure and function outputs the following: PolyPhen-2: "Benign". The valine amino acid residue is found in multiple mammalian species, which suggests that this missense change does not adversely affect protein function. In summary, the available evidence is currently insufficient to determine the role of this variant in disease. Therefore, it has been classified as a Variant of Uncertain Significance.

Ambry Genetics
Classification: Likely benign for Inborn genetic diseases. Last evaluated: 2023-08-08. Review status: criteria provided, single submitter. Criteria: Ambry Variant Classification Scheme 2023. Collection method: clinical testing. Allele origin: germline.